The following is an entry in ClinVar:

ClinVar aggregate classification (germline): Uncertain significance. Review status: criteria provided, multiple submitters, no conflicts (2 of 4 stars). 4 submissions from 4 submitters: Uncertain significance (4). Last evaluated 2024-08-15.

Conditions:
Inborn genetic diseases. Identifiers: MedGen C0950123, MeSH D030342.
Gray platelet syndrome (GPS). Also called: BLEEDING DISORDER, PLATELET-TYPE, 4. Identifiers: Orphanet 721, MedGen C0272302, MONDO:0007686, OMIM 139090.

Allele frequency attached by ClinVar (database versions not stated): gnomAD 0.00009 and 0.00010; gnomAD exomes 0.00009 and 0.00013; TOPMed 0.00011; ESP Exome Variant Server 0.00016; ExAC 0.00017.
gnomAD v4.1: 138 of 1,609,506 alleles (0.0086%); highest among the groups gnomAD compares: Non-Finnish European, 0.01%; no homozygotes.

Submissions (4):

Blueprint Genetics
Classification: Uncertain significance. Last evaluated: 2024-08-15. Review status: criteria provided, single submitter. Criteria: ACMG Guidelines, 2015. Collection method: clinical testing. Allele origin: germline.

Women's Health and Genetics/Laboratory Corporation of America, LabCorp
Classification: Uncertain significance. Last evaluated: 2023-05-17. Review status: criteria provided, single submitter. Criteria: LabCorp Variant Classification Summary - May 2015. Collection method: clinical testing. Allele origin: germline.
Comment: Variant summary: NBEAL2 c.1613G>A (p.Arg538His) results in a non-conservative amino acid change in the encoded protein sequence. Three of five in-silico tools predict a damaging effect of the variant on protein function. The variant allele was found at a frequency of 0.00013 in 239836 control chromosomes. The available data on variant occurrences in the general population are insufficient to allow any conclusion about variant significance. c.1613G>A has been reported in the literature in at least one individual affected with a suspected inherited platelet disorder, however without strong evidence for causality (e.g., Louzil_2022). This report does not provide unequivocal conclusions about association of the variant with Gray Platelet Syndrome. To our knowledge, no experimental evidence demonstrating an impact on protein function has been reported. The following publication was ascertained in the context of this evaluation (PMID: 36430862). One ClinVar submitter (evaluation after 2014) has reported the variant and classified it as uncertain significance. Based on the evidence outlined above, the variant was classified as uncertain significance.

Ambry Genetics
Classification: Uncertain significance for Inborn genetic diseases. Last evaluated: 2021-10-27. Review status: criteria provided, single submitter. Criteria: Ambry Variant Classification Scheme 2023. Collection method: clinical testing. Allele origin: germline.

Illumina Laboratory Services, Illumina
Classification: Uncertain significance for Gray platelet syndrome. Last evaluated: 2018-01-12. Review status: criteria provided, single submitter. Criteria: ICSL Variant Classification Criteria 13 December 2019. Collection method: clinical testing. Allele origin: germline.

Literature cited by the submitters: PubMed 36430862 (cited by Women's Health and Genetics/Laboratory Corporation of America, LabCorp).

NM_015175.3(NBEAL2):c.1613G>A (p.Arg538His)

Gene: NBEAL2 (neurobeachin like 2; plus strand). Cytogenetic location: 3p21.31.
Variant type: single nucleotide variant.
Coding change: c.1613G>A on transcript NM_015175.3 (MANE Select); coding-DNA position 1613, G replaced by A.
Protein change: p.Arg538His; replaces arginine 538 with histidine.
Molecular consequence: missense variant.
Genome position (GRCh38, 1-based): chr3:46,995,348, G>A. VCF-style: chr3-46995348-G-A. GRCh37 (hg19) VCF-style: chr3-47036838-G-A.
Other names: c.1613G>A (NM_015175.1); c.1511G>A, p.Arg504His (NM_001365116.2); short protein forms R538H, R504H.
Identifiers: ClinVar variation 345629 (VCV000345629.8), dbSNP rs368310677, ClinGen allele CA2360415.